The following is an entry in ClinVar:

ClinVar aggregate classification (germline): Uncertain significance (1 of 4 stars; one submission).

Conditions:
3-methylcrotonyl-CoA carboxylase 1 deficiency (MCC1D). Also called: MCCD TYPE 1; METHYLCROTONYLGLYCINURIA TYPE I; MCC 1 deficiency; 3 Alpha methylcrotonylglycinuria 1. Identifiers: Orphanet 6, MedGen CN028786, MONDO:0008861, OMIM 210200.

Submission:

Labcorp Genetics (formerly Invitae), Labcorp
Classification: Uncertain significance for 3-methylcrotonyl-CoA carboxylase 1 deficiency. Last evaluated: 2024-06-02. Review status: criteria provided, single submitter. Criteria: Invitae Variant Classification Sherloc (09022015). Collection method: clinical testing. Allele origin: germline.
Comment: This sequence change replaces glycine, which is neutral and non-polar, with valine, which is neutral and non-polar, at codon 317 of the MCCC1 protein (p.Gly317Val). This variant is not present in population databases (gnomAD no frequency). This variant has not been reported in the literature in individuals affected with MCCC1-related conditions. ClinVar contains an entry for this variant (Variation ID: 1371045). Advanced modeling of protein sequence and biophysical properties (such as structural, functional, and spatial information, amino acid conservation, physicochemical variation, residue mobility, and thermodynamic stability) performed at Invitae indicates that this missense variant is expected to disrupt MCCC1 protein function with a positive predictive value of 95%. In summary, the available evidence is currently insufficient to determine the role of this variant in disease. Therefore, it has been classified as a Variant of Uncertain Significance.

NM_020166.5(MCCC1):c.950G>T (p.Gly317Val)

Gene: MCCC1 (methylcrotonyl-CoA carboxylase subunit 1; minus strand). Cytogenetic location: 3q27.1.
Variant type: single nucleotide variant.
Coding change: c.950G>T on transcript NM_020166.5 (MANE Select); coding-DNA position 950, G replaced by T.
Protein change: p.Gly317Val; replaces glycine 317 with valine.
Molecular consequence: missense variant. On other transcripts: non-coding transcript variant (2).
Genome position (GRCh38, 1-based): chr3:183,052,164, C>A on the plus strand (G>T on the coding strand, the complement: MCCC1 is on the minus strand). VCF-style: chr3-183052164-C-A. GRCh37 (hg19) VCF-style: chr3-182769952-C-A.
Other names: c.599G>T, p.Gly200Val (NM_001293273.2); c.623G>T, p.Gly208Val (NM_001363880.1); short protein forms G317V, G200V, G208V.
Identifiers: ClinVar variation 1371045 (VCV001371045.6), dbSNP rs1577295874, ClinGen allele CA355326477.